The following is an entry in ClinVar:

ClinVar aggregate classification (germline): Uncertain significance. Review status: criteria provided, multiple submitters, no conflicts (2 of 4 stars). 2 submissions from 2 submitters: Uncertain significance (2). Last evaluated 2025-03-28.

Conditions:
Colorectal cancer, hereditary nonpolyposis, type 7. Identifiers: Orphanet 144, MedGen C1858380, MONDO:0013725, OMIM 614385.

Submissions (2):

Ambry Genetics
Classification: Uncertain significance. Last evaluated: 2025-03-28. Review status: criteria provided, single submitter. Criteria: Ambry Variant Classification Scheme 2023. Collection method: clinical testing. Allele origin: germline.
Comment: The p.N725K variant (also known as c.2175T>A), located in coding exon 1 of the MLH3 gene, results from a T to A substitution at nucleotide position 2175. The asparagine at codon 725 is replaced by lysine, an amino acid with similar properties. This amino acid position is conserved. In addition, this alteration is predicted to be tolerated by in silico analysis. Since supporting evidence is limited at this time, the clinical significance of this alteration remains unclear.

Labcorp Genetics (formerly Invitae), Labcorp
Classification: Uncertain significance for Colorectal cancer, hereditary nonpolyposis, type 7. Last evaluated: 2020-08-27. Review status: criteria provided, single submitter. Criteria: Invitae Variant Classification Sherloc (09022015). Collection method: clinical testing. Allele origin: germline.
Comment: In summary, the available evidence is currently insufficient to determine the role of this variant in disease. Therefore, it has been classified as a Variant of Uncertain Significance. Algorithms developed to predict the effect of sequence changes on RNA splicing suggest that this variant may create or strengthen a splice site, but this prediction has not been confirmed by published transcriptional studies. Algorithms developed to predict the effect of missense changes on protein structure and function output the following: SIFT: "Tolerated"; PolyPhen-2: "Benign"; Align-GVGD: "Class C0". The lysine amino acid residue is found in multiple mammalian species, suggesting that this missense change does not adversely affect protein function. These predictions have not been confirmed by published functional studies and their clinical significance is uncertain. This variant has not been reported in the literature in individuals with MLH3-related conditions. This variant is not present in population databases (ExAC no frequency). This sequence change replaces asparagine with lysine at codon 725 of the MLH3 protein (p.Asn725Lys). The asparagine residue is weakly conserved and there is a moderate physicochemical difference between asparagine and lysine.

NM_001040108.2(MLH3):c.2175T>A (p.Asn725Lys)

Gene: MLH3 (mutL homolog 3; minus strand). Cytogenetic location: 14q24.3.
Variant type: single nucleotide variant.
Coding change: c.2175T>A on transcript NM_001040108.2 (MANE Select); coding-DNA position 2175, T replaced by A.
Protein change: p.Asn725Lys; replaces asparagine 725 with lysine.
Molecular consequence: missense variant.
Genome position (GRCh38, 1-based): chr14:75,047,481, A>T on the plus strand (T>A on the coding strand, the complement: MLH3 is on the minus strand). VCF-style: chr14-75047481-A-T. GRCh37 (hg19) VCF-style: chr14-75514184-A-T.
Other names: c.2175T>A, p.Asn725Lys (NM_014381.3); short protein forms N725K.
Identifiers: ClinVar variation 999985 (VCV000999985.12), dbSNP rs1892326829, ClinGen allele CA390441317.
Genomic context (GRCh38, chr14:75,047,481, plus strand): 5'-TAGCTTCTTACGGACGATTGGTTTGGAGAAACCAATTAATTTATCTGTTTTCCTACTATC[A>T]TTGGAAACGTGTCTATACCAGGGGAAAGAGGGGGATGTATCAGATAATATGCAATCTGTT-3'
Protein context (NP_001035197.1, residues 715-735): PSFPWYRHVS[Asn725Lys]DSRKTDKLIG